The following is an entry in ClinVar:

ClinVar aggregate classification (germline): Pathogenic/Likely pathogenic. Review status: criteria provided, multiple submitters, no conflicts (2 of 4 stars). 2 submissions from 2 submitters: Pathogenic (1); Likely pathogenic (1). Last evaluated 2024-03-20.

Conditions:
Combined immunodeficiency due to LRBA deficiency. Also called: Common variable immunodeficiency 8, with autoimmunity. Identifiers: Orphanet 445018, MedGen C3553512, MONDO:0013863, OMIM 614700.
LRBA deficiency.

Submissions (2):

Rady Children's Institute for Genomic Medicine, Rady Children's Hospital San Diego
Classification: Likely pathogenic for LRBA deficiency. Last evaluated: 2024-03-20. Review status: criteria provided, single submitter. Criteria: ACMG Guidelines, 2015. Collection method: clinical testing. Allele origin: germline. Affected: yes.
Comment: This nonsense variant found in exon 25 of 58 is predicted to result in loss of normal protein function through either protein truncation or nonsense-mediated mRNA decay. Loss-of-function variation in LRBA is an established mechanism of disease (PMID:22608502). This variant has not been previously reported or functionally characterized in the literature to our knowledge. The c.4087C>T (p.Gln1363Ter) variant is absent from the gnomAD v4 population database and thus is presumed to be rare. Analysis of the parental samples was negative for the variant, indicating this variant likely occurred as a de novo event. Based on the available evidence, c.4087C>T (p.Gln1363Ter) is classified as Likely Pathogenic.

Labcorp Genetics (formerly Invitae), Labcorp
Classification: Pathogenic for Combined immunodeficiency due to LRBA deficiency. Last evaluated: 2024-03-02. Review status: criteria provided, single submitter. Criteria: Invitae Variant Classification Sherloc (09022015). Collection method: clinical testing. Allele origin: germline.
Comment: This sequence change creates a premature translational stop signal (p.Gln1363*) in the LRBA gene. It is expected to result in an absent or disrupted protein product. Loss-of-function variants in LRBA are known to be pathogenic (PMID: 26206937, 26768763). This variant is not present in population databases (gnomAD no frequency). This variant has not been reported in the literature in individuals affected with LRBA-related conditions. Algorithms developed to predict the effect of sequence changes on RNA splicing suggest that this variant may disrupt the consensus splice site. For these reasons, this variant has been classified as Pathogenic.

Literature cited by the submitters: PubMed 26206937 (cited by Labcorp Genetics (formerly Invitae), Labcorp); PubMed 26768763 (cited by Labcorp Genetics (formerly Invitae), Labcorp).

NM_001364905.1(LRBA):c.4087C>T (p.Gln1363Ter)

Gene: LRBA (LPS responsive beige-like anchor protein; minus strand). Cytogenetic location: 4q31.3.
Variant type: single nucleotide variant.
Coding change: c.4087C>T on transcript NM_001364905.1 (MANE Select); coding-DNA position 4087, C replaced by T.
Protein change: p.Gln1363Ter; replaces glutamine 1363 with a stop codon.
Molecular consequence: nonsense.
Genome position (GRCh38, 1-based): chr4:150,849,493, G>A on the plus strand (C>T on the coding strand, the complement: LRBA is on the minus strand). VCF-style: chr4-150849493-G-A. GRCh37 (hg19) VCF-style: chr4-151770645-G-A.
Other names: c.4087C>T, p.Gln1363Ter (NM_001199282.3, NM_001367550.1, NM_006726.5); short protein forms Q1363*.
Identifiers: ClinVar variation 3644210 (VCV003644210.3).